The following is an entry in ClinVar:

ClinVar aggregate classification (germline): Uncertain significance (1 of 4 stars; one submission).

Conditions:
Inborn genetic diseases. Identifiers: MedGen C0950123, MeSH D030342.

Allele frequency attached by ClinVar (database versions not stated): gnomAD exomes below 0.00001.

Submission:

Ambry Genetics
Classification: Uncertain significance for Inborn genetic diseases. Last evaluated: 2023-02-25. Review status: criteria provided, single submitter. Criteria: Ambry Variant Classification Scheme 2023. Collection method: clinical testing. Allele origin: germline.
Comment: The p.Q1425H variant (also known as c.4275G>T), located in coding exon 30 of the LRRK2 gene, results from a G to T substitution at nucleotide position 4275. The glutamine at codon 1425 is replaced by histidine, an amino acid with highly similar properties. This amino acid position is conserved. In addition, this alteration is predicted to be tolerated by in silico analysis. Since supporting evidence is limited at this time, the clinical significance of this alteration remains unclear.

NM_198578.4(LRRK2):c.4275G>T (p.Gln1425His)

Gene: LRRK2 (leucine rich repeat kinase 2; plus strand). Cytogenetic location: 12q12.
Variant type: single nucleotide variant.
Coding change: c.4275G>T on transcript NM_198578.4 (MANE Select); coding-DNA position 4275, G replaced by T.
Protein change: p.Gln1425His; replaces glutamine 1425 with histidine.
Molecular consequence: missense variant.
Genome position (GRCh38, 1-based): chr12:40,309,191, G>T. VCF-style: chr12-40309191-G-T. GRCh37 (hg19) VCF-style: chr12-40702993-G-T.
Other names: short protein forms Q1425H.
Identifiers: ClinVar variation 2453129 (VCV002453129.2), dbSNP rs2499818369, ClinGen allele CA384418147.